The following is an entry in ClinVar:

NM_001369598.1(ST7):c.1639-3C>A

Gene: ST7 (suppression of tumorigenicity 7; plus strand). Cytogenetic location: 7q31.2.
Variant type: single nucleotide variant.
Coding change: c.1639-3C>A on transcript NM_001369598.1 (MANE Select); 3 bases into the intron before coding-DNA position 1639, C replaced by A.
Molecular consequence: intron variant.
Genome position (GRCh38, 1-based): chr7:117,229,759, C>A. VCF-style: chr7-117229759-C-A. GRCh37 (hg19) VCF-style: chr7-116869813-C-A.
Other names: c.1420-3C>A (NM_001369607.1); c.1624-3C>A (NM_001369601.1); c.1570-3C>A (NM_018412.4); c.1501-3C>A (NM_001369602.1); c.1432-3C>A (NM_001369603.1); c.1489-3C>A (NM_001369606.1); c.1510-3C>A (NM_001369599.1); c.1441-3C>A (NM_001369600.1).
Identifiers: ClinVar variation 3040627 (VCV003040627.3), dbSNP rs374865323, ClinGen allele CA4449728.

ClinVar aggregate classification (germline): Likely benign (0 of 4 stars; one submission).

Conditions:
ST7-related disorder. Also called: ST7-related condition.

Allele frequency attached by ClinVar (database versions not stated): gnomAD exomes 0.00010; ExAC 0.00033; gnomAD 0.00085; ESP Exome Variant Server 0.00100; TOPMed 0.00106; 1000 Genomes Project 0.00140; 1000 Genomes Project 30x 0.00141.
gnomAD v4.1: 280 of 1,606,438 alleles (0.017%); highest among the groups gnomAD compares: African/African-American, 0.32%; 2 homozygotes.

Submissions (3):

PreventionGenetics, part of Exact Sciences
Classification: Likely benign for ST7-related condition. Last evaluated: 2022-05-31. Review status: no assertion criteria provided. Collection method: clinical testing. Allele origin: germline.
Comment: This variant is classified as likely benign based on ACMG/AMP sequence variant interpretation guidelines (Richards et al. 2015 PMID: 25741868, with internal and published modifications).

Dr. Peter K. Rogan Lab, Western University
No classification provided (evidence only). Condition: Familial cancer of breast. Review status: no classification provided. Collection method: in vitro. Allele origin: not applicable. Functional consequence: retained intron. Not counted in ClinVar's aggregate classification.

Dr. Peter K. Rogan Lab, Western University
No classification provided (evidence only). Condition: Colorectal cancer. Review status: no classification provided. Collection method: in vitro. Allele origin: not applicable. Functional consequence: retained intron. Not counted in ClinVar's aggregate classification.